The following is an entry in ClinVar:

NM_006766.5(KAT6A):c.3172A>G (p.Met1058Val)

Gene: KAT6A (lysine acetyltransferase 6A; minus strand). Cytogenetic location: 8p11.21.
Variant type: single nucleotide variant.
Coding change: c.3172A>G on transcript NM_006766.5 (MANE Select); coding-DNA position 3172, A replaced by G.
Protein change: p.Met1058Val; replaces methionine 1058 with valine.
Molecular consequence: missense variant.
Genome position (GRCh38, 1-based): chr8:41,937,436, T>C on the plus strand (A>G on the coding strand, the complement: KAT6A is on the minus strand). VCF-style: chr8-41937436-T-C. GRCh37 (hg19) VCF-style: chr8-41794954-T-C.
Other names: c.3172A>G (NM_006766.3); short protein forms M1058V.
Identifiers: ClinVar variation 3670629 (VCV003670629.3).

ClinVar aggregate classification (germline): Uncertain significance. Review status: criteria provided, multiple submitters, no conflicts (2 of 4 stars). 2 submissions from 2 submitters: Uncertain significance (2). Last evaluated 2026-03-23.

Conditions:
Inborn genetic diseases. Identifiers: MedGen C0950123, MeSH D030342.

Submissions (2):

Ambry Genetics
Classification: Uncertain significance for Inborn genetic diseases. Last evaluated: 2026-03-23. Review status: criteria provided, single submitter. Criteria: Ambry Variant Classification Scheme 2023. Collection method: clinical testing. Allele origin: germline.

Labcorp Genetics (formerly Invitae), Labcorp
Classification: Uncertain significance. Last evaluated: 2025-10-29. Review status: criteria provided, single submitter. Criteria: Invitae Variant Classification Sherloc (09022015). Collection method: clinical testing. Allele origin: germline.
Comment: This sequence change replaces methionine, which is neutral and non-polar, with valine, which is neutral and non-polar, at codon 1058 of the KAT6A protein (p.Met1058Val). This variant is not present in population databases (gnomAD no frequency). This variant has not been reported in the literature in individuals affected with KAT6A-related conditions. ClinVar contains an entry for this variant (Variation ID: 3670629). Invitae Evidence Modeling of protein sequence and biophysical properties (such as structural, functional, and spatial information, amino acid conservation, physicochemical variation, residue mobility, and thermodynamic stability) indicates that this missense variant is not expected to disrupt KAT6A protein function with a negative predictive value of 95%. In summary, the available evidence is currently insufficient to determine the role of this variant in disease. Therefore, it has been classified as a Variant of Uncertain Significance.